The following is an entry in ClinVar:

NM_000455.5(STK11):c.134_145del (p.Leu45_Tyr49delinsHis)

Gene: STK11 (serine/threonine kinase 11; plus strand). Cytogenetic location: 19p13.3.
Variant type: Deletion.
Coding change: c.134_145del on transcript NM_000455.5 (MANE Select); coding-DNA positions 134 to 145, 12 bases deleted (TCATCGGCAAGT).
Protein change: p.Leu45_Tyr49delinsHis.
Molecular consequence: inframe indel.
Genome position (GRCh38, 1-based): chr19:1,207,047-1,207,058, TCATCGGCAAGT deleted. VCF-style (leftmost placement, unchanged base first): chr19-1207046-CTCATCGGCAAGT-C. GRCh37 (hg19) VCF-style: chr19-1207045-CTCATCGGCAAGT-C.
Other names: c.134_145delTCATCGGCAAGT (NM_000455.4).
Identifiers: ClinVar variation 182875 (VCV000182875.1), dbSNP rs730881958, ClinGen allele CA022653.

ClinVar aggregate classification (germline): Pathogenic (1 of 4 stars; one submission).

Conditions:
Hereditary cancer-predisposing syndrome. Also called: Tumor predisposition; Hereditary Cancer Syndrome; Hereditary neoplastic syndrome; Neoplastic Syndromes, Hereditary. Identifiers: Orphanet 140162, MedGen C0027672, MeSH D009386, MONDO:0015356.

Submission:

GeneDx
Classification: Pathogenic for Neoplastic Syndromes, Hereditary. Last evaluated: 2013-11-27. Review status: criteria provided, single submitter. Criteria: GeneDx Variant Classification (06012015). Collection method: clinical testing. Allele origin: germline. Affected: yes.
Comment: The c.134_145del12 mutation was identified in the STK11 gene. It has not been published as a mutation, nor has it been reported as a benign polymorphism to our knowledge. This deletion results in the loss of five highly conserved residues and the insertion of an incorrect residue in a highly conserved functional domain of the protein. A similar deletion of four residues within the same highly conserved domain has been reported in a family diagnosed with Peutz-Jeghers syndrome (Mehenni et al., 1998). Therefore, c.134_145del12 is interpreted as a disease-causing mutation. The variant is found in STK11 panel(s).